The following is an entry in ClinVar:

NM_004281.4(BAG3):c.125A>G (p.His42Arg)

Gene: BAG3 (BAG cochaperone 3; plus strand). Cytogenetic location: 10q26.11.
Variant type: single nucleotide variant.
Coding change: c.125A>G on transcript NM_004281.4 (MANE Select); coding-DNA position 125, A replaced by G.
Protein change: p.His42Arg; replaces histidine 42 with arginine.
Molecular consequence: missense variant.
Genome position (GRCh38, 1-based): chr10:119,651,800, A>G. VCF-style: chr10-119651800-A-G. GRCh37 (hg19) VCF-style: chr10-121411312-A-G.
Other names: short protein forms H42R.
Identifiers: ClinVar variation 935351 (VCV000935351.10), dbSNP rs1846844504, ClinGen allele CA378294234.
Genomic context (GRCh38, chr10:119,651,800, plus strand): 5'-TGCCCCCCGGATGGGAGATCAAGATCGACCCGCAGACCGGCTGGCCCTTCTTCGTGGACC[A>G]CAACAGCCGCACCACTACGTGGAACGACCCGCGCGTGCCCTCTGAGGGCCCCAAGGTGAG-3'
Protein context (NP_004272.2, residues 32-52): PQTGWPFFVD[His42Arg]NSRTTTWNDP

ClinVar aggregate classification (germline): Uncertain significance. Review status: criteria provided, multiple submitters, no conflicts (2 of 4 stars). 2 submissions from 2 submitters: Uncertain significance (2). Last evaluated 2026-02-08.

Conditions:
Myofibrillar myopathy 6. Identifiers: Orphanet 199340, MedGen C2751831, MONDO:0013061, OMIM 612954.
Dilated cardiomyopathy 1HH (CMD1HH). Identifiers: Orphanet 154, MedGen C3151293, MONDO:0013479, OMIM 613881.

Allele frequency attached by ClinVar (database versions not stated): gnomAD exomes below 0.00001.
gnomAD v4.1: 1 of 1,600,988 alleles (0.000062%); highest among the groups gnomAD compares: Non-Finnish European, 0.000085%; no homozygotes.

Submissions (2):

Victorian Clinical Genetics Services, Murdoch Childrens Research Institute
Classification: Uncertain significance for Dilated cardiomyopathy 1HH. Last evaluated: 2026-02-08. Review status: criteria provided, single submitter. Criteria: ACMG Guidelines, 2015. Collection method: clinical testing. Allele origin: germline. Affected: yes.
Comment: This variant is classified as VUS-3B. Evidence in support of pathogenic classification: Variant is present in gnomAD <0.001 for a dominant condition (v4: 1 heterozygote(s), 0 homozygote(s)); Missense variant predicted to be damaging by in silico tool(s) or highly conserved with a major amino acid change. Additional information: Variant is predicted to result in a missense amino acid change from His to Arg; This variant is heterozygous; This gene is associated with autosomal dominant disease; Alternative amino acid change(s) at the same position are present in gnomAD (v4: 1 heterozygote(s), 0 homozygote(s)); Previous evidence of pathogenicity for this variant is inconclusive. This variant has been classified as a VUS by a clinical laboratory in ClinVar; No published evidence of segregation with disease has been identified for this variant; No published functional evidence has been identified for this variant; Another missense variant(s) comparable to the one identified in this case has inconclusive previous evidence for pathogenicity. p.(His42Gln) has been classified as a VUS by a clinical laboratory in ClinVar; Variant is located in the annotated WW domain (DECIPHER); Loss of function and gain of function are known mechanisms of disease in this gene and are associated with dilated cardiomyopathy, 1HH (DCM; MIM#613881) and myofibrillar myopathy, 6 (MIM#612954). Missense variants with a gain of function effect have been reported in individuals with myopathy, whereas missense variants with a loss of function effect and variants resulting in a premature termination codon, have been reported in individuals with DCM (OMIM, PMID: 30442290); The condition associated with this gene has incomplete penetrance (PMID: 30442290, 33989081).

Labcorp Genetics (formerly Invitae), Labcorp
Classification: Uncertain significance for Dilated cardiomyopathy 1HH; Myofibrillar myopathy 6. Last evaluated: 2022-01-14. Review status: criteria provided, single submitter. Criteria: Invitae Variant Classification Sherloc (09022015). Collection method: clinical testing. Allele origin: germline.
Comment: ClinVar contains an entry for this variant (Variation ID: 935351). In summary, the available evidence is currently insufficient to determine the role of this variant in disease. Therefore, it has been classified as a Variant of Uncertain Significance. Algorithms developed to predict the effect of missense changes on protein structure and function are either unavailable or do not agree on the potential impact of this missense change (SIFT: "Tolerated"; PolyPhen-2: "Probably Damaging"; Align-GVGD: "Class C0"). This variant has not been reported in the literature in individuals affected with BAG3-related conditions. This variant is not present in population databases (gnomAD no frequency). This sequence change replaces histidine, which is basic and polar, with arginine, which is basic and polar, at codon 42 of the BAG3 protein (p.His42Arg).

Literature cited by the submitters: PubMed 33989081 (cited by Victorian Clinical Genetics Services, Murdoch Childrens Research Institute); PubMed 30442290 (cited by Victorian Clinical Genetics Services, Murdoch Childrens Research Institute).